The following is an entry in ClinVar:

ClinVar aggregate classification (germline): Uncertain significance (1 of 4 stars; one submission).

Conditions:
Developmental and epileptic encephalopathy, 1 (DEE1). Also called: X-linked infantile spasms; West's syndrome; Tonic spasms with clustering, arrest of psychomotor development and hypsarrhythmia on EEG; X-Linked Infantile Spasm Syndrome; OHTAHARA SYNDROME, X-LINKED; INFANTILE SPASM SYNDROME, X-LINKED 1. Identifiers: MedGen C3463992, MONDO:0010632, OMIM 308350. Disease mechanism: loss of function.
Autosomal recessive spinocerebellar ataxia 12. Also called: SPINOCEREBELLAR ATAXIA WITH MENTAL RETARDATION AND EPILEPSY. Identifiers: Orphanet 284282, MedGen C3280452, MONDO:0013687, OMIM 614322.

Submission:

Labcorp Genetics (formerly Invitae), Labcorp
Classification: Uncertain significance for Developmental and epileptic encephalopathy, 1; Autosomal recessive spinocerebellar ataxia 12. Last evaluated: 2022-07-09. Review status: criteria provided, single submitter. Criteria: Invitae Variant Classification Sherloc (09022015). Collection method: clinical testing. Allele origin: germline.
Comment: In summary, the available evidence is currently insufficient to determine the role of this variant in disease. Therefore, it has been classified as a Variant of Uncertain Significance. Algorithms developed to predict the effect of missense changes on protein structure and function are either unavailable or do not agree on the potential impact of this missense change (SIFT: "Not Available"; PolyPhen-2: "Benign"; Align-GVGD: "Not Available"). This variant has not been reported in the literature in individuals affected with WWOX-related conditions. This variant is not present in population databases (gnomAD no frequency). This sequence change replaces isoleucine, which is neutral and non-polar, with methionine, which is neutral and non-polar, at codon 331 of the WWOX protein (p.Ile331Met).

NM_016373.4(WWOX):c.993T>G (p.Ile331Met)

Gene: WWOX (WW domain containing oxidoreductase; plus strand). Cytogenetic location: 16q23.1.
Variant type: single nucleotide variant.
Coding change: c.993T>G on transcript NM_016373.4 (MANE Select); coding-DNA position 993, T replaced by G.
Protein change: p.Ile331Met; replaces isoleucine 331 with methionine.
Molecular consequence: missense variant.
Genome position (GRCh38, 1-based): chr16:78,432,689, T>G. VCF-style: chr16-78432689-T-G. GRCh37 (hg19) VCF-style: chr16-78466586-T-G.
Other names: c.654T>G, p.Ile218Met (NM_001291997.2); short protein forms I331M, I218M.
Identifiers: ClinVar variation 2015376 (VCV002015376.4), dbSNP rs2507631669, ClinGen allele CA396843415.